The following is an entry in ClinVar:

ClinVar aggregate classification (germline): Pathogenic (1 of 4 stars; one submission).

Conditions:
Mucopolysaccharidosis, MPS-II (MPS2). Also called: Hunter Syndrome; IDURONATE 2-SULFATASE DEFICIENCY; Mucopolysaccharidosis Type II; Mucopolysaccharidosis type 2; Attenuated MPS (subtype; formerly known as mild MPS II); Severe MPS II. Identifiers: Orphanet 580, Orphanet 79388, MedGen C0026705, MONDO:0010674, OMIM 309900.

Submission:

Laboratory of Diagnosis and Therapy of Lysosomal Disorders, University of Padova
Classification: Pathogenic for Mucopolysaccharidosis, MPS-II. Last evaluated: 2024-06-07. Review status: criteria provided, single submitter. Criteria: ACMG Guidelines, 2015. Collection method: literature only. Allele origin: germline. Affected: yes. Observed: 1 variant allele.
Comment: Null variant (PVS1_Strong), Absent from controls (or at low frequency) in gnomAD database (PM2_Moderate), Patient’s phenotype or family history highly specific for the disease (PP4_Strong)

Classification method: ACMG Guidelines [PMID:25741868] with modifications

Literature cited by the submitters: PubMed 9660053.

NM_000202.8(IDS):c.1198dup (p.Leu400fs)

Gene: IDS (iduronate 2-sulfatase; minus strand). Cytogenetic location: Xq28.
Variant type: Duplication.
Coding change: c.1198dup on transcript NM_000202.8 (MANE Select); coding-DNA position 1198, one base duplicated (C; older notation c.1198dupC).
Protein change: p.Leu400fs; shifts the reading frame from leucine 400.
Molecular consequence: frameshift variant.
Genome position (GRCh38, 1-based): chrX:149,483,201, G duplicated on the plus strand (C on the coding strand, the reverse complement: IDS is on the minus strand); the first of 2 consecutive G bases (chrX:149,483,201-149,483,202); duplicating either gives the same sequence. VCF-style (leftmost placement, unchanged base first): chrX-149483200-A-AG. GRCh37 (hg19) VCF-style: chrX-148564731-A-AG.
Other names: c.928dup, p.Leu310fs (NM_001166550.4); short protein forms L310fs, L400fs.
Identifiers: ClinVar variation 3255987 (VCV003255987.2).
Genomic context (GRCh38, chrX:149,483,200, plus strand): 5'-GGTGGAACCTGCAGTCCTGCAAGTCCAGCCAGCGTGGGAAAAAGAGACACAAGTTCCACA[A>AG]GGTCCATGGATTGCCTGCCTGAAACAGGAAGCGACAGAGCAGAATGGGTTACATTATAAA-3'